The following is an entry in ClinVar:

ClinVar aggregate classification (germline): Likely benign (1 of 4 stars; one submission).

Conditions:
KIF21A-related disorder. Also called: KIF21A-related condition.

gnomAD v4.1: 499 of 1,613,178 alleles (0.031%); highest among the groups gnomAD compares: African/African-American, 0.61%; 1 homozygote.

Submission:

PreventionGenetics, part of Exact Sciences
Classification: Likely benign for KIF21A-related condition. Last evaluated: 2025-03-20. Review status: criteria provided, single submitter. Criteria: ACMG Guidelines, 2015. Collection method: clinical testing. Allele origin: germline.
Comment: This variant is classified as likely benign based on ACMG/AMP sequence variant interpretation guidelines (Richards et al. 2015 PMID: 25741868, with internal and published modifications).

NM_001173464.2(KIF21A):c.2211A>C (p.Ala737=)

Gene: KIF21A (kinesin family member 21A; minus strand). Cytogenetic location: 12q12.
Variant type: single nucleotide variant.
Coding change: c.2211A>C on transcript NM_001173464.2 (MANE Select); coding-DNA position 2211, A replaced by C.
Protein change: p.Ala737=; no amino-acid change (alanine 737 retained).
Molecular consequence: synonymous variant.
Genome position (GRCh38, 1-based): chr12:39,340,264, T>G on the plus strand (A>C on the coding strand, the complement: KIF21A is on the minus strand). VCF-style: chr12-39340264-T-G. GRCh37 (hg19) VCF-style: chr12-39734066-T-G.
Other names: c.2172A>C, p.Ala724= (NM_001173463.2, NM_001173465.2, NM_001378441.1 and 1 more transcripts); c.2211A>C, p.Ala737= (NM_001378439.1, NM_001378440.1).
Identifiers: ClinVar variation 4985659 (VCV004985659.1).